The following is an entry in ClinVar:

ClinVar aggregate classification (germline): Uncertain significance (1 of 4 stars; one submission).

Conditions:
Werner syndrome (WRN). Identifiers: Orphanet 902, MedGen C0043119, MONDO:0010196, OMIM 277700.

Submission:

Labcorp Genetics (formerly Invitae), Labcorp
Classification: Uncertain significance for Werner syndrome. Last evaluated: 2021-10-21. Review status: criteria provided, single submitter. Criteria: Invitae Variant Classification Sherloc (09022015). Collection method: clinical testing. Allele origin: germline.
Comment: In summary, the available evidence is currently insufficient to determine the role of this variant in disease. Therefore, it has been classified as a Variant of Uncertain Significance. Experimental studies and prediction algorithms are not available or were not evaluated, and the functional significance of this variant is currently unknown. This variant has not been reported in the literature in individuals affected with WRN-related conditions. This variant is not present in population databases (ExAC no frequency). This sequence change results in a frameshift in the WRN gene (p.Gly1429Valfs*19). While this is not anticipated to result in nonsense mediated decay, it is expected to disrupt the last 4 amino acid(s) of the WRN protein and extend the protein by 14 additional amino acid residues.

NM_000553.6(WRN):c.4284del (p.Gly1429fs)

Genes: WRN (WRN RecQ like helicase; plus strand), LOC126860342 (MED14-independent group 3 enhancer GRCh37_chr8:31029565-31030764; plus strand). Cytogenetic location: 8p12.
Variant type: Deletion.
Coding change: c.4284del on transcript NM_000553.6 (MANE Select); coding-DNA position 4284, one base deleted (A; older notation c.4284delA).
Protein change: p.Gly1429fs; shifts the reading frame from glycine 1429.
Molecular consequence: frameshift variant.
Genome position (GRCh38, 1-based): chr8:31,173,087, A deleted. VCF-style (leftmost placement, unchanged base first): chr8-31173086-GA-G. GRCh37 (hg19) VCF-style: chr8-31030602-GA-G.
Other names: short protein forms G1429fs.
Identifiers: ClinVar variation 1346043 (VCV001346043.6), dbSNP rs2130530564, ClinGen allele CA2573142765.